The following is an entry in ClinVar:

ClinVar aggregate classification (germline): Uncertain significance (1 of 4 stars; one submission).

Submission:

GeneDx
Classification: Uncertain significance. Last evaluated: 2019-10-18. Review status: criteria provided, single submitter. Criteria: GeneDx Variant Classification Process June 2021. Collection method: clinical testing. Allele origin: germline. Affected: yes.
Comment: Has not been previously published as pathogenic or benign to our knowledge; Not observed in large population cohorts (Lek et al., 2016); In silico analysis, which includes protein predictors and evolutionary conservation, supports a deleterious effect

NM_015335.5(MED13L):c.5315C>T (p.Thr1772Met)

Gene: MED13L (mediator complex subunit 13L; minus strand). Cytogenetic location: 12q24.21.
Variant type: single nucleotide variant.
Coding change: c.5315C>T on transcript NM_015335.5 (MANE Select); coding-DNA position 5315, C replaced by T.
Protein change: p.Thr1772Met; replaces threonine 1772 with methionine.
Molecular consequence: missense variant.
Genome position (GRCh38, 1-based): chr12:115,980,799, G>A on the plus strand (C>T on the coding strand, the complement: MED13L is on the minus strand). VCF-style: chr12-115980799-G-A. GRCh37 (hg19) VCF-style: chr12-116418604-G-A.
Other names: short protein forms T1772M.
Identifiers: ClinVar variation 1309220 (VCV001309220.2), dbSNP rs2137264380, ClinGen allele CA386880112.